The following is an entry in ClinVar:

ClinVar aggregate classification (germline): Uncertain significance (1 of 4 stars; one submission).

Submission:

GeneDx
Classification: Uncertain significance. Last evaluated: 2022-11-21. Review status: criteria provided, single submitter. Criteria: GeneDx Variant Classification Process June 2021. Collection method: clinical testing. Allele origin: germline. Affected: yes.
Comment: Not observed at significant frequency in large population cohorts (gnomAD); In silico analysis supports that this missense variant does not alter protein structure/function; Has not been previously published as pathogenic or benign to our knowledge

NM_005120.3(MED12):c.994C>T (p.Pro332Ser)

Gene: MED12 (mediator complex subunit 12; plus strand). Cytogenetic location: Xq13.1.
Variant type: single nucleotide variant.
Coding change: c.994C>T on transcript NM_005120.3 (MANE Select); coding-DNA position 994, C replaced by T.
Protein change: p.Pro332Ser; replaces proline 332 with serine.
Molecular consequence: missense variant.
Genome position (GRCh38, 1-based): chrX:71,121,709, C>T. VCF-style: chrX-71121709-C-T. GRCh37 (hg19) VCF-style: chrX-70341559-C-T.
Other names: short protein forms P332S.
Identifiers: ClinVar variation 2502559 (VCV002502559.1), dbSNP rs2519668480, ClinGen allele CA413504899.